The following is an entry in ClinVar:

ClinVar aggregate classification (germline): Pathogenic (1 of 4 stars; one submission).

Submission:

GeneDx
Classification: Pathogenic. Last evaluated: 2016-08-23. Review status: criteria provided, single submitter. Criteria: GeneDx Variant Classification (06012015). Collection method: clinical testing. Allele origin: germline. Affected: yes.
Comment: The G370C pathogenic variant in the COL1A2 gene has not been reported previously as a pathogenic variant nor as a benign variant, to our knowledge. This variant was not observed in approximately 6400 individuals of European and African American ancestry in the NHLBI Exome Sequencing Project, indicating it is not a common benign variant in these populations. The G370C variant, located at a Glycine residue within the triple helix domain of COL1A2, is a non-conservative amino acid substitution, which is likely to impact secondary protein structure as these residues differ in polarity, charge, size and/or other properties. This substitution occurs at a position that is conserved across species, and in silico analysis predicts this variant is probably damaging to the protein structure/function. Missense variants in the same Glycine residue (G370S, G370A) and nearby Glycine residues (G367W, G367E) have been reported in the Human Gene Mutation Database in association with osteogenesis imperfecta (Stenson et al., 2014), supporting the functional importance of this region of the protein. We interpret G370C as a pathogenic variant.

NM_000089.4(COL1A2):c.1108G>T (p.Gly370Cys)

Gene: COL1A2 (collagen type I alpha 2 chain; plus strand). Cytogenetic location: 7q21.3.
Variant type: single nucleotide variant.
Coding change: c.1108G>T on transcript NM_000089.4 (MANE Select); coding-DNA position 1108, G replaced by T.
Protein change: p.Gly370Cys; replaces glycine 370 with cysteine.
Molecular consequence: missense variant.
Genome position (GRCh38, 1-based): chr7:94,410,438, G>T. VCF-style: chr7-94410438-G-T. GRCh37 (hg19) VCF-style: chr7-94039750-G-T.
Other names: short protein forms G370C.
Identifiers: ClinVar variation 265699 (VCV000265699.2), dbSNP rs72658103, ClinGen allele CA10588442.